The following is an entry in ClinVar:

ClinVar aggregate classification (germline): Uncertain significance (1 of 4 stars; one submission).

Conditions:
Cerebellar hypoplasia-intellectual disability-congenital microcephaly-dystonia-anemia-growth retardation syndrome. Also called: CEREBELLAR HYPOPLASIA, CATARACTS, IMPAIRED INTELLECTUAL DEVELOPMENT, CONGENITAL MICROCEPHALY, DYSTONIA, DYSERYTHROPOIETIC ANEMIA, AND GROWTH RETARDATION; CIMDAG SYNDROME. Identifiers: Orphanet 603448, MedGen C5543287, MONDO:0035819, OMIM 619273.

Submission:

MGZ Medical Genetics Center
Classification: Uncertain significance for Cerebellar hypoplasia-intellectual disability-congenital microcephaly-dystonia-anemia-growth retardation syndrome. Last evaluated: 2021-08-20. Review status: criteria provided, single submitter. Criteria: ACMG Guidelines, 2015. Collection method: clinical testing. Allele origin: germline. Affected: yes. Observed: 1 variant allele.
Comment: ACMG criteria applied: PM1, PS2_SUP, PM2_SUP, PP3

NM_013245.3(VPS4A):c.605T>C (p.Leu202Pro)

Gene: VPS4A (vacuolar protein sorting 4 homolog A; plus strand). Cytogenetic location: 16q22.1.
Variant type: single nucleotide variant.
Coding change: c.605T>C on transcript NM_013245.3 (MANE Select); coding-DNA position 605, T replaced by C.
Protein change: p.Leu202Pro; replaces leucine 202 with proline.
Molecular consequence: missense variant.
Genome position (GRCh38, 1-based): chr16:69,319,528, T>C. VCF-style: chr16-69319528-T-C. GRCh37 (hg19) VCF-style: chr16-69353431-T-C.
Other names: short protein forms L202P.
Identifiers: ClinVar variation 1709093 (VCV001709093.2), dbSNP rs2544551595, ClinGen allele CA396469378.